The following is an entry in ClinVar:

NM_016605.3(FAM53C):c.256dup (p.Ser86fs)

Gene: FAM53C (family with sequence similarity 53 member C; plus strand). Cytogenetic location: 5q31.2.
Variant type: Duplication.
Coding change: c.256dup on transcript NM_016605.3 (MANE Select); coding-DNA position 256, one base duplicated (T; older notation c.256dupT).
Protein change: p.Ser86fs; shifts the reading frame from serine 86.
Molecular consequence: frameshift variant. On other transcripts: intron variant (1).
Genome position (GRCh38, 1-based): chr5:138,344,944, T duplicated. VCF-style (leftmost placement, unchanged base first): chr5-138344943-C-CT. GRCh37 (hg19) VCF-style: chr5-137680632-C-CT.
Other names: c.256dup, p.Ser86fs (NM_001135647.2); c.226dup, p.Ser76fs (NM_001350195.2); c.137-514dup (NM_001350194.2); c.256dupT (NM_001135647.2); short protein forms S76fs, S86fs.
Identifiers: ClinVar variation 3338184 (VCV003338184.2).
Genomic context (GRCh38, chr5:138,344,943, plus strand): 5'-CAACTTCAGCTACCATCCCTCAGGCCTGAGCCTGCACCTCAGACCACCCAGTCGGGGAAA[C>CT]TCCCCCAAGGAGCAGCCCTTCTCCCAAGTCCTAAGACCTGAGCCCCCAGATCCAGAGAAG-3'

ClinVar aggregate classification (germline): Uncertain significance (0 of 4 stars; one submission).

Conditions:
Autism (AUTS). Also called: Autistic disorder of childhood onset; Autistic disorder. Identifiers: MedGen C0004352, MeSH D001321, MONDO:0005260, OMIM 209850, HP:0000717.

Submission:

Centre for Addiction & Mental Health
Classification: Uncertain significance for Autism. Review status: no assertion criteria provided. Collection method: research. Allele origin: de novo. Affected: yes. Observed: 1 heterozygote. Segregation with disease not observed.
Comment: Gene not previously associated with disease; independent supportng evidence needed